The following is an entry in ClinVar:

NM_001046.3(SLC12A2):c.373G>T (p.Glu125Ter)

Gene: SLC12A2 (solute carrier family 12 member 2; plus strand). Cytogenetic location: 5q23.3.
Variant type: single nucleotide variant.
Coding change: c.373G>T on transcript NM_001046.3 (MANE Select); coding-DNA position 373, G replaced by T.
Protein change: p.Glu125Ter; replaces glutamic acid 125 with a stop codon.
Molecular consequence: nonsense. On other transcripts: non-coding transcript variant (1).
Genome position (GRCh38, 1-based): chr5:128,084,327, G>T. VCF-style: chr5-128084327-G-T. GRCh37 (hg19) VCF-style: chr5-127420019-G-T.
Other names: c.373G>T, p.Glu125Ter (NM_001256461.2); short protein forms E125*.
Identifiers: ClinVar variation 5006827 (VCV005006827.2).

ClinVar aggregate classification (germline): Uncertain significance (1 of 4 stars; one submission).

Conditions:
Kilquist syndrome (KILQS). Also called: SLC12A2-related autosomal recessive neonatal-developmental delay-intellectual disability-feeding difficulty-sensorineural deafness syndrome. Identifiers: Orphanet 633021, MedGen C5436756, MONDO:0033664, OMIM 619080.
Hearing loss, autosomal dominant 78. Also called: DEAFNESS, AUTOSOMAL DOMINANT 78. Identifiers: MedGen C5436768, MONDO:0033665, OMIM 619081.
Delpire-McNeill syndrome. Also called: SLC12A2-related autosomal dominant infantile-developmental delay-intellectual disability-sensorineural deafness syndrome. Identifiers: Orphanet 633024, MedGen C5436771, MONDO:0033667, OMIM 619083.

Submission:

Juno Genomics, Hangzhou Juno Genomics, Inc
Classification: Uncertain significance for Hearing loss, autosomal dominant 78; Delpire-McNeill syndrome; Kilquist syndrome. Review status: criteria provided, single submitter. Criteria: ACMG Guidelines, 2015. Collection method: clinical testing. Allele origin: germline.
Comment: Absent from controls (or at extremely low frequency if recessive) in Genome Aggregation Database.